The following is an entry in ClinVar:

ClinVar aggregate classification (germline): Uncertain significance. Review status: criteria provided, multiple submitters, no conflicts (2 of 4 stars). 2 submissions from 2 submitters: Uncertain significance (2). Last evaluated 2024-10-10.

Conditions:
Familial cancer of breast. Also called: hereditary breast carcinoma; Hereditary breast cancer; BREAST CANCER, FAMILIAL. Identifiers: Orphanet 227535, MedGen C0346153, MONDO:0016419, OMIM 114480. Disease mechanism: loss of function.
Hereditary cancer-predisposing syndrome. Also called: Tumor predisposition; Hereditary neoplastic syndrome; Neoplastic Syndromes, Hereditary; Hereditary Cancer Syndrome. Identifiers: Orphanet 140162, MedGen C0027672, MeSH D009386, MONDO:0015356.

Submissions (2):

Labcorp Genetics (formerly Invitae), Labcorp
Classification: Uncertain significance for Familial cancer of breast. Last evaluated: 2024-10-10. Review status: criteria provided, single submitter. Criteria: Invitae Variant Classification Sherloc (09022015). Collection method: clinical testing. Allele origin: germline.
Comment: This sequence change replaces serine, which is neutral and polar, with proline, which is neutral and non-polar, at codon 454 of the PALB2 protein (p.Ser454Pro). This variant is not present in population databases (gnomAD no frequency). This variant has not been reported in the literature in individuals affected with PALB2-related conditions. ClinVar contains an entry for this variant (Variation ID: 818981). Invitae Evidence Modeling of protein sequence and biophysical properties (such as structural, functional, and spatial information, amino acid conservation, physicochemical variation, residue mobility, and thermodynamic stability) indicates that this missense variant is not expected to disrupt PALB2 protein function with a negative predictive value of 80%. In summary, the available evidence is currently insufficient to determine the role of this variant in disease. Therefore, it has been classified as a Variant of Uncertain Significance.

Ambry Genetics
Classification: Uncertain significance for Hereditary cancer-predisposing syndrome. Last evaluated: 2022-11-16. Review status: criteria provided, single submitter. Criteria: Ambry Variant Classification Scheme 2023. Collection method: clinical testing. Allele origin: germline.
Comment: The p.S454P variant (also known as c.1360T>C), located in coding exon 4 of the PALB2 gene, results from a T to C substitution at nucleotide position 1360. The serine at codon 454 is replaced by proline, an amino acid with similar properties. This amino acid position is well conserved in available vertebrate species. In addition, this alteration is predicted to be tolerated by in silico analysis. Since supporting evidence is limited at this time, the clinical significance of this alteration remains unclear.

NM_024675.4(PALB2):c.1360T>C (p.Ser454Pro)

Gene: PALB2 (partner and localizer of BRCA2; minus strand). Cytogenetic location: 16p12.2.
Variant type: single nucleotide variant.
Coding change: c.1360T>C on transcript NM_024675.4 (MANE Select); coding-DNA position 1360, T replaced by C.
Protein change: p.Ser454Pro; replaces serine 454 with proline.
Molecular consequence: missense variant.
Genome position (GRCh38, 1-based): chr16:23,635,186, A>G on the plus strand (T>C on the coding strand, the complement: PALB2 is on the minus strand). VCF-style: chr16-23635186-A-G. GRCh37 (hg19) VCF-style: chr16-23646507-A-G.
Other names: short protein forms S454P.
Identifiers: ClinVar variation 818981 (VCV000818981.8), dbSNP rs1597096304, ClinGen allele CA395131489.